The following is an entry in ClinVar:

ClinVar aggregate classification (germline): Likely benign. Review status: criteria provided, multiple submitters, no conflicts (2 of 4 stars). 2 submissions from 2 submitters: Likely benign (2). Last evaluated 2024-02-13.

Allele frequency attached by ClinVar (database versions not stated): ExAC 0.00001; gnomAD 0.00001; gnomAD exomes 0.00001; TOPMed 0.00002; ESP Exome Variant Server 0.00008.
gnomAD v4.1: 6 of 1,613,278 alleles (0.00037%); highest among the groups gnomAD compares: East Asian, 0.0067%; no homozygotes.

Submissions (2):

Blueprint Genetics
Classification: Likely benign. Last evaluated: 2024-02-13. Review status: criteria provided, single submitter. Criteria: ACMG Guidelines, 2015. Collection method: clinical testing. Allele origin: germline.

CeGaT Center for Human Genetics Tuebingen
Classification: Likely benign. Last evaluated: 2024-01-01. Review status: criteria provided, single submitter. Criteria: CeGaT Center For Human Genetics Tuebingen Variant Classification Criteria Version 2. Collection method: clinical testing. Allele origin: germline. Affected: yes. Observed: 1 variant allele.
Comment: DST: BP4, BP7

NM_001374736.1(DST):c.18180A>G (p.Lys6060=)

Gene: DST (dystonin; minus strand). Cytogenetic location: 6p12.1.
Variant type: single nucleotide variant.
Coding change: c.18180A>G on transcript NM_001374736.1 (MANE Select); coding-DNA position 18180, A replaced by G.
Protein change: p.Lys6060=; no amino-acid change (lysine 6060 retained).
Molecular consequence: synonymous variant.
Genome position (GRCh38, 1-based): chr6:56,517,570, T>C on the plus strand (A>G on the coding strand, the complement: DST is on the minus strand). VCF-style: chr6-56517570-T-C. GRCh37 (hg19) VCF-style: chr6-56382368-T-C.
Other names: c.11823A>G, p.Lys3941= (NM_001144769.5); c.11409A>G, p.Lys3803= (NM_001144770.2); c.18180A>G, p.Lys6060= (NM_001374722.1); c.17220A>G, p.Lys5740= (NM_001374729.1); c.10962A>G, p.Lys3654= (NM_001374730.1); c.18207A>G, p.Lys6069= (NM_001374734.1); c.11289A>G, p.Lys3763= (NM_001386100.1, NM_183380.4); c.10311A>G, p.Lys3437= (NM_015548.5).
Identifiers: ClinVar variation 3025103 (VCV003025103.23), dbSNP rs371746929, ClinGen allele CA3867271.